The following is an entry in ClinVar:

ClinVar aggregate classification (germline): Benign. Review status: criteria provided, multiple submitters, no conflicts (2 of 4 stars). 12 submissions from 11 submitters: Benign (10). 2 of the submissions do not count toward it. Last evaluated 2026-02-04.

Conditions:
Arthrogryposis multiplex congenita 6. Identifiers: MedGen C5543431, MONDO:0030281, OMIM 619334.
Nemaline myopathy 2 (NEM2). Also called: Nemaline myopathy 2, autosomal recessive. Identifiers: MedGen C1850569, MONDO:0009725, OMIM 256030.

Allele frequency attached by ClinVar (database versions not stated): TOPMed 0.01196; 1000 Genomes Project 30x 0.01218; gnomAD 0.01234 and 0.01319; 1000 Genomes Project 0.01278; ESP Exome Variant Server 0.01322; gnomAD exomes 0.01544 and 0.02012; ExAC 0.01566.
gnomAD v4.1: 31,298 of 1,613,436 alleles (1.9%); highest among the groups gnomAD compares: South Asian, 4%; 400 homozygotes.

Submissions (12):

Labcorp Genetics (formerly Invitae), Labcorp
Classification: Benign for Nemaline myopathy 2. Last evaluated: 2026-02-04. Review status: criteria provided, single submitter. Criteria: Invitae Variant Classification Sherloc (09022015). Collection method: clinical testing. Allele origin: germline.

Athena Diagnostics
Classification: Benign. Last evaluated: 2023-11-08. Review status: criteria provided, single submitter. Criteria: Athena Diagnostics Criteria. Collection method: clinical testing. Allele origin: unknown.

Genome-Nilou Lab
Classification: Benign for Arthrogryposis multiplex congenita 6. Last evaluated: 2021-07-10. Review status: criteria provided, single submitter. Criteria: ACMG Guidelines, 2015. Collection method: clinical testing. Allele origin: germline. Affected: no.

Genome-Nilou Lab
Classification: Benign for Nemaline myopathy 2. Last evaluated: 2021-05-18. Review status: criteria provided, single submitter. Criteria: ACMG Guidelines, 2015. Collection method: clinical testing. Allele origin: germline. Affected: no.

Women's Health and Genetics/Laboratory Corporation of America, LabCorp
Classification: Benign. Last evaluated: 2019-04-22. Review status: criteria provided, single submitter. Criteria: LabCorp Variant Classification Summary - May 2015. Collection method: clinical testing. Allele origin: germline.
Comment: Variant summary: NEB c.20766C>T alters a non-conserved nucleotide resulting in a synonymous change. 5/5 computational tools predict no significant impact on normal splicing. However, these predictions have yet to be confirmed by functional studies. The variant allele was found at a frequency of 0.015 in 280110 control chromosomes in the gnomAD database, including 68 homozygotes. The observed variant frequency is approximately 4-folds higher than the estimated maximal expected allele frequency for a pathogenic variant in NEB causing Nemaline Myopathy 2 phenotype (0.0035), strongly suggesting that the variant is benign. Three ClinVar submissions from clinical diagnostic laboratories (evaluation after 2014) cite the variant twice as benign and once as uncertain significance. Based on the evidence outlined above, the variant was classified as benign.

Illumina Laboratory Services, Illumina
Classification: Benign for Nemaline myopathy 2. Last evaluated: 2018-01-13. Review status: criteria provided, single submitter. Criteria: ICSL Variant Classification Criteria 13 December 2019. Collection method: clinical testing. Allele origin: germline.
Comment: This variant was observed in the ICSL laboratory as part of a predisposition screen in an ostensibly healthy population. It had not been previously curated by ICSL or reported in the Human Gene Mutation Database (HGMD: prior to June 1st, 2018), and was therefore a candidate for classification through an automated scoring system. Utilizing variant allele frequency, disease prevalence and penetrance estimates, and inheritance mode, an automated score was calculated to assess if this variant is too frequent to cause the disease. Based on the score and internal cut-off values, a variant classified as benign is not then subjected to further curation. The score for this variant resulted in a classification of benign for this disease.

Mayo Clinic Laboratories, Mayo Clinic
Classification: Benign. Last evaluated: 2018-01-03. Review status: criteria provided, single submitter. Criteria: ACMG Guidelines, 2015. Collection method: clinical testing. Allele origin: germline. Observed: 27 variant alleles.

GeneDx
Classification: Benign. Last evaluated: 2016-03-03. Review status: criteria provided, single submitter. Criteria: GeneDx Variant Classification (06012015). Collection method: clinical testing. Allele origin: germline. Affected: yes.
Comment: This variant is considered likely benign or benign based on one or more of the following criteria: it is a conservative change, it occurs at a poorly conserved position in the protein, it is predicted to be benign by multiple in silico algorithms, and/or has population frequency not consistent with disease.

Breakthrough Genomics
Classification: Benign. Review status: criteria provided, single submitter. Criteria: ACMG Guidelines, 2015. Collection method: not provided. Allele origin: germline. Inheritance: Autosomal recessive inheritance. Affected: yes.

PreventionGenetics, part of Exact Sciences
Classification: Benign. Review status: criteria provided, single submitter. Criteria: ACMG Guidelines, 2015. Collection method: clinical testing. Allele origin: germline.

Natera, Inc.
Classification: Benign for Nemaline myopathy type 2. Last evaluated: 2020-09-16. Review status: no assertion criteria provided. Collection method: clinical testing. Allele origin: germline. Not counted in ClinVar's aggregate classification.

Genetic Services Laboratory, University of Chicago
Classification: Likely benign for AllHighlyPenetrant. Review status: no assertion criteria provided. Collection method: clinical testing. Allele origin: germline. Inheritance: Autosomal recessive inheritance. Not counted in ClinVar's aggregate classification.
Comment: Likely benign based on allele frequency in 1000 Genomes Project or ESP global frequency and its presence in a patient with a rare or unrelated disease phenotype. NOT Sanger confirmed.

Literature cited by the submitters: PubMed 32343762 (cited by Athena Diagnostics).

NM_001164508.2(NEB):c.20766C>T (p.Asp6922=)

Gene: NEB (nebulin; minus strand). Cytogenetic location: 2q23.3.
Variant type: single nucleotide variant.
Coding change: c.20766C>T on transcript NM_001164508.2 (MANE Select); coding-DNA position 20766, C replaced by T.
Protein change: p.Asp6922=; no amino-acid change (aspartic acid 6922 retained).
Molecular consequence: synonymous variant.
Genome position (GRCh38, 1-based): chr2:151,540,718, G>A on the plus strand (C>T on the coding strand, the complement: NEB is on the minus strand). VCF-style: chr2-151540718-G-A. GRCh37 (hg19) VCF-style: chr2-152397232-G-A.
Other names: p.Asp6922=; c.20766C>T, p.Asp6922= (NM_001164507.2, NM_001271208.2); c.15663C>T, p.Asp5221= (NM_004543.5).
Identifiers: ClinVar variation 129723 (VCV000129723.28), dbSNP rs34555492, ClinGen allele CA153931.